The following is an entry in ClinVar:

ClinVar aggregate classification (germline): Uncertain significance (1 of 4 stars; one submission).

Conditions:
Dyskeratosis congenita. Identifiers: Orphanet 1775, MedGen C0265965, MONDO:0015780.

Submission:

Labcorp Genetics (formerly Invitae), Labcorp
Classification: Uncertain significance for Dyskeratosis congenita. Last evaluated: 2021-03-22. Review status: criteria provided, single submitter. Criteria: Invitae Variant Classification Sherloc (09022015). Collection method: clinical testing. Allele origin: germline.
Comment: In summary, the available evidence is currently insufficient to determine the role of this variant in disease. Therefore, it has been classified as a Variant of Uncertain Significance. Algorithms developed to predict the effect of missense changes on protein structure and function are either unavailable or do not agree on the potential impact of this missense change (SIFT: "Deleterious"; PolyPhen-2: "Possibly Damaging"; Align-GVGD: "Class C0"). This variant has not been reported in the literature in individuals with CTC1-related conditions. This variant is not present in population databases (ExAC no frequency). This sequence change replaces proline with leucine at codon 439 of the CTC1 protein (p.Pro439Leu). The proline residue is moderately conserved and there is a moderate physicochemical difference between proline and leucine.

NM_025099.6(CTC1):c.1316C>T (p.Pro439Leu)

Gene: CTC1 (CST telomere replication complex component 1; minus strand). Cytogenetic location: 17p13.1.
Variant type: single nucleotide variant.
Coding change: c.1316C>T on transcript NM_025099.6 (MANE Select); coding-DNA position 1316, C replaced by T.
Protein change: p.Pro439Leu; replaces proline 439 with leucine.
Molecular consequence: missense variant. On other transcripts: non-coding transcript variant (1).
Genome position (GRCh38, 1-based): chr17:8,235,176, G>A on the plus strand (C>T on the coding strand, the complement: CTC1 is on the minus strand). VCF-style: chr17-8235176-G-A. GRCh37 (hg19) VCF-style: chr17-8138494-G-A.
Other names: short protein forms P439L.
Identifiers: ClinVar variation 1471489 (VCV001471489.8), dbSNP rs2151519873, ClinGen allele CA397984688.